The following is an entry in ClinVar:

ClinVar aggregate classification (germline): Benign (1 of 4 stars; one submission).

Submission:

Laboratory for Molecular Medicine, Mass General Brigham Personalized Medicine
Classification: Benign. Last evaluated: 2016-03-28. Review status: criteria provided, single submitter. Criteria: LMM Criteria. Collection method: clinical testing. Allele origin: germline.
Comment: Variant identified in a genome or exome case(s) and assessed due to predicted null impact of the variant or pathogenic assertions in the literature or databases. Disclaimer: This variant has not undergone full assessment. The following are preliminary notes: Frequency

NM_000809.4(GABRA4):c.87-21dup

Gene: GABRA4 (gamma-aminobutyric acid type A receptor subunit alpha4; minus strand). Cytogenetic location: 4p12.
Variant type: Duplication.
Coding change: c.87-21dup on transcript NM_000809.4 (MANE Select); 21 bases into the intron before coding-DNA position 87, one base duplicated (T; older notation c.87-21dupT).
Molecular consequence: intron variant.
Genome position (GRCh38, 1-based): chr4:46,992,956, A duplicated on the plus strand (T on the coding strand, the reverse complement: GABRA4 is on the minus strand); the first of 12 consecutive A bases (chr4:46,992,956-46,992,967); duplicating any one gives the same sequence. VCF-style (leftmost placement, unchanged base first): chr4-46992955-G-GA. GRCh37 (hg19) VCF-style: chr4-46994972-G-GA.
Other names: c.30-21dup (NM_001204267.2, NM_001204266.2).
Identifiers: ClinVar variation 402889 (VCV000402889.4), dbSNP rs3215202, ClinGen allele CA2907305.